The following is an entry in ClinVar:

ClinVar aggregate classification (germline): Pathogenic (1 of 4 stars; one submission).

Conditions:
Hereditary cancer-predisposing syndrome. Also called: Hereditary neoplastic syndrome; Tumor predisposition; Hereditary Cancer Syndrome; Neoplastic Syndromes, Hereditary. Identifiers: Orphanet 140162, MedGen C0027672, MeSH D009386, MONDO:0015356.

Submission:

Ambry Genetics
Classification: Pathogenic for Hereditary cancer-predisposing syndrome. Last evaluated: 2023-08-02. Review status: criteria provided, single submitter. Criteria: Ambry Variant Classification Scheme 2023. Collection method: clinical testing. Allele origin: germline.
Comment: The p.W234* pathogenic mutation (also known as c.702G>A), located in coding exon 1 of the AXIN2 gene, results from a G to A substitution at nucleotide position 702. This changes the amino acid from a tryptophan to a stop codon within coding exon 1. This variant is considered to be rare based on population cohorts in the Genome Aggregation Database (gnomAD). This alteration is expected to result in loss of function by premature protein truncation or nonsense-mediated mRNA decay. As such, this alteration is interpreted as a disease-causing mutation.

NM_004655.4(AXIN2):c.702G>A (p.Trp234Ter)

Gene: AXIN2 (axin 2; minus strand). Cytogenetic location: 17q24.1.
Variant type: single nucleotide variant.
Coding change: c.702G>A on transcript NM_004655.4 (MANE Select); coding-DNA position 702, G replaced by A.
Protein change: p.Trp234Ter; replaces tryptophan 234 with a stop codon.
Molecular consequence: nonsense.
Genome position (GRCh38, 1-based): chr17:65,557,919, C>T on the plus strand (G>A on the coding strand, the complement: AXIN2 is on the minus strand). VCF-style: chr17-65557919-C-T. GRCh37 (hg19) VCF-style: chr17-63554037-C-T.
Other names: c.702G>A, p.Trp234Ter (NM_001363813.1); short protein forms W234*.
Identifiers: ClinVar variation 2586360 (VCV002586360.2), dbSNP rs2044294792, ClinGen allele CA400680452.